The following is an entry in ClinVar:

NM_002778.4(PSAP):c.1073A>T (p.Gln358Leu)

Gene: PSAP (prosaposin; minus strand). Cytogenetic location: 10q22.1.
Variant type: single nucleotide variant.
Coding change: c.1073A>T on transcript NM_002778.4 (MANE Select); coding-DNA position 1073, A replaced by T.
Protein change: p.Gln358Leu; replaces glutamine 358 with leucine.
Molecular consequence: missense variant.
Genome position (GRCh38, 1-based): chr10:71,819,833, T>A on the plus strand (A>T on the coding strand, the complement: PSAP is on the minus strand). VCF-style: chr10-71819833-T-A. GRCh37 (hg19) VCF-style: chr10-73579590-T-A.
Other names: c.1082A>T, p.Gln361Leu (NM_001042465.3); c.1079A>T, p.Gln360Leu (NM_001042466.3); short protein forms Q360L, Q361L, Q358L.
Identifiers: ClinVar variation 1355989 (VCV001355989.5), dbSNP rs773659954, ClinGen allele CA5547487.

ClinVar aggregate classification (germline): Uncertain significance (1 of 4 stars; one submission).

Conditions:
Sphingolipid activator protein 1 deficiency. Also called: Saposin B Deficiency; METACHROMATIC LEUKODYSTROPHY DUE TO CEREBROSIDE SULFATASE ACTIVATOR DEFICIENCY; Metachromatic leukodystrophy due to saposin B deficiency. Identifiers: Orphanet 512, MedGen C0268262, MONDO:0009590, OMIM 249900.

Allele frequency attached by ClinVar (database versions not stated): gnomAD exomes below 0.00001 and 0.00002; ExAC 0.00001; gnomAD 0.00001.
gnomAD v4.1: 8 of 1,614,150 alleles (0.0005%); highest among the groups gnomAD compares: East Asian, 0.016%; no homozygotes.

Submission:

Labcorp Genetics (formerly Invitae), Labcorp
Classification: Uncertain significance for Sphingolipid activator protein 1 deficiency. Last evaluated: 2024-05-15. Review status: criteria provided, single submitter. Criteria: Invitae Variant Classification Sherloc (09022015). Collection method: clinical testing. Allele origin: germline.
Comment: This sequence change replaces glutamine, which is neutral and polar, with leucine, which is neutral and non-polar, at codon 358 of the PSAP protein (p.Gln358Leu). The frequency data for this variant in the population databases is considered unreliable, as metrics indicate poor data quality at this position in the gnomAD database. This variant has not been reported in the literature in individuals affected with PSAP-related conditions. ClinVar contains an entry for this variant (Variation ID: 1355989). Advanced modeling of protein sequence and biophysical properties (such as structural, functional, and spatial information, amino acid conservation, physicochemical variation, residue mobility, and thermodynamic stability) performed at Invitae indicates that this missense variant is not expected to disrupt PSAP protein function with a negative predictive value of 80%. In summary, the available evidence is currently insufficient to determine the role of this variant in disease. Therefore, it has been classified as a Variant of Uncertain Significance.